The following is an entry in ClinVar:

ClinVar aggregate classification (germline): Benign/Likely benign. Review status: criteria provided, multiple submitters, no conflicts (2 of 4 stars). 13 submissions from 13 submitters: Benign (4); Likely benign (6). 3 of the submissions do not count toward it. Last evaluated 2026-02-01.

Conditions:
Usher syndrome type 2C. Also called: Usher syndrome, type 2B; USHER SYNDROME, TYPE IIC. Identifiers: Orphanet 231178, Orphanet 886, MedGen C2931213, MONDO:0011558, OMIM 605472.
Fraser syndrome 1 (FRASRS1). Also called: CRYPTOPHTHALMOS WITH OTHER MALFORMATIONS. Identifiers: Orphanet 2052, MedGen C4551480, MONDO:0054737, OMIM 219000.

Allele frequency attached by ClinVar (database versions not stated): TOPMed 0.00265; 1000 Genomes Project 30x 0.00328; ESP Exome Variant Server 0.00332; gnomAD 0.00356 and 0.00374; 1000 Genomes Project 0.00359; gnomAD exomes 0.00508; ExAC 0.00858.
gnomAD v4.1: 6,555 of 1,603,920 alleles (0.41%); highest among the groups gnomAD compares: South Asian, 1.3%; 36 homozygotes.

Submissions (13):

Labcorp Genetics (formerly Invitae), Labcorp
Classification: Benign. Last evaluated: 2026-02-01. Review status: criteria provided, single submitter. Criteria: Invitae Variant Classification Sherloc (09022015). Collection method: clinical testing. Allele origin: germline.

Mayo Clinic Laboratories, Mayo Clinic
Classification: Benign. Last evaluated: 2025-09-12. Review status: criteria provided, single submitter. Criteria: ACMG Guidelines, 2015. Collection method: clinical testing. Allele origin: germline. Observed: 1 variant allele.
Comment: BS1, BS2

CeGaT Center for Human Genetics Tuebingen
Classification: Benign. Last evaluated: 2025-02-01. Review status: criteria provided, single submitter. Criteria: CeGaT Center For Human Genetics Tuebingen Variant Classification Criteria Version 2. Collection method: clinical testing. Allele origin: germline. Affected: yes. Observed: 1 variant allele.
Comment: FRAS1: BP4, BS1, BS2

Fulgent Genetics
Classification: Likely benign for Fraser syndrome 1. Last evaluated: 2022-01-11. Review status: criteria provided, single submitter. Criteria: ACMG Guidelines, 2015. Collection method: clinical testing. Allele origin: unknown.

Center for Pediatric Genomic Medicine, Children's Mercy Hospital and Clinics
Classification: Likely benign. Last evaluated: 2017-06-15. Review status: criteria provided, single submitter. Criteria: ACMG Guidelines, 2015. Collection method: clinical testing. Allele origin: germline.

Illumina Laboratory Services, Illumina
Classification: Likely benign for Fraser syndrome 1. Last evaluated: 2017-04-27. Review status: criteria provided, single submitter. Criteria: ICSL Variant Classification Criteria 13 December 2019. Collection method: clinical testing. Allele origin: germline.
Comment: This variant was observed as part of a predisposition screen in an ostensibly healthy population. A literature search was performed for the gene, cDNA change, and amino acid change (where applicable). Publications were found based on this search. The evidence from the literature, in combination with allele frequency data from public databases where available, was sufficient to determine this variant is unlikely to cause disease. Therefore, this variant is classified as likely benign.

GeneDx
Classification: Likely benign. Last evaluated: 2016-02-20. Review status: criteria provided, single submitter. Criteria: GeneDx Variant Classification (06012015). Collection method: clinical testing. Allele origin: germline. Affected: yes.
Comment: This variant is considered likely benign or benign based on one or more of the following criteria: it is a conservative change, it occurs at a poorly conserved position in the protein, it is predicted to be benign by multiple in silico algorithms, and/or has population frequency not consistent with disease.

Eurofins Ntd Llc (ga)
Classification: Benign. Last evaluated: 2014-11-15. Review status: criteria provided, single submitter. Criteria: EGL Classification Definitions 2015. Collection method: clinical testing. Allele origin: germline. Observed: 2 variant alleles, 2 heterozygotes.

Breakthrough Genomics
Classification: Likely benign. Review status: criteria provided, single submitter. Criteria: ACMG Guidelines, 2015. Collection method: not provided. Allele origin: germline. Inheritance: Autosomal recessive inheritance. Affected: yes.

Broad Center for Mendelian Genomics, Broad Institute of MIT and Harvard
Classification: Likely benign for Usher syndrome type 2C. Review status: criteria provided, single submitter. Criteria: ACMG Guidelines, 2015. Collection method: research. Allele origin: germline. Inheritance: Autosomal dominant inheritance. Affected: yes.
Comment: In summary, although additional studies are required to fully establish its clinical significance, this variant meets criteria to be classified as likely benign for autosomal dominant renal agenesis.

Clinical Genetics DNA and cytogenetics Diagnostics Lab, Erasmus MC, Erasmus Medical Center
Classification: Benign. Review status: no assertion criteria provided. Collection method: clinical testing. Allele origin: germline. Affected: yes. Study: VKGL Data-share Consensus. Not counted in ClinVar's aggregate classification.

Genome Diagnostics Laboratory, University Medical Center Utrecht
Classification: Likely benign. Review status: no assertion criteria provided. Collection method: clinical testing. Allele origin: germline. Affected: yes. Study: VKGL Data-share Consensus. Not counted in ClinVar's aggregate classification.

Laboratory of Diagnostic Genome Analysis, Leiden University Medical Center (LUMC)
Classification: Likely benign. Review status: no assertion criteria provided. Collection method: clinical testing. Allele origin: germline. Affected: yes. Study: VKGL Data-share Consensus. Not counted in ClinVar's aggregate classification.

Literature cited by the submitters: PubMed 21900877 (cited by 3 submitters); PubMed 27535533 (cited by Mayo Clinic Laboratories, Mayo Clinic); PubMed 27884173 (cited by Mayo Clinic Laboratories, Mayo Clinic).

NM_025074.7(FRAS1):c.776T>G (p.Leu259Arg)

Gene: FRAS1 (Fraser extracellular matrix complex subunit 1; plus strand). Cytogenetic location: 4q21.21.
Variant type: single nucleotide variant.
Coding change: c.776T>G on transcript NM_025074.7 (MANE Select); coding-DNA position 776, T replaced by G.
Protein change: p.Leu259Arg; replaces leucine 259 with arginine.
Molecular consequence: missense variant.
Genome position (GRCh38, 1-based): chr4:78,266,922, T>G. VCF-style: chr4-78266922-T-G. GRCh37 (hg19) VCF-style: chr4-79188076-T-G.
Other names: p.Leu259Arg; c.776T>G, p.Leu259Arg (NM_001166133.2); short protein forms L259R.
Identifiers: ClinVar variation 198912 (VCV000198912.34), dbSNP rs148509395, ClinGen allele CA203673.